The following is an entry in ClinVar:

NM_025136.4(OPA3):c.*1052C>T

Genes: OPA3 (outer mitochondrial membrane lipid metabolism regulator OPA3; minus strand), OPA3-RTN2 (OPA3-RTN2 readthrough; minus strand). Cytogenetic location: 19q13.32.
Variant type: single nucleotide variant.
Coding change: c.*1052C>T on transcript NM_025136.4 (MANE Select); 1052 bases downstream of the stop codon, C replaced by T.
Molecular consequence: 3 prime UTR variant. On other transcripts: intron variant (1).
Genome position (GRCh38, 1-based): chr19:45,552,462, G>A on the plus strand (C>T on the coding strand, the complement: OPA3 is on the minus strand). VCF-style: chr19-45552462-G-A. GRCh37 (hg19) VCF-style: chr19-46055720-G-A.
Other names: c.143-23006C>T (NM_001017989.3).
Identifiers: ClinVar variation 894552 (VCV000894552.4), dbSNP rs539341907, ClinGen allele CA308957761.
Genomic context (GRCh38, chr19:45,552,462, plus strand): 5'-TTCATCATATTGGTCAGGCTGGTCTCGAGCTCCCGATCTCCCGACCTCCCGACTTCAAAT[G>A]ACCCGCCCACCTCGACCTTCCAAAGTGCTGGGATTGCAGGTGTGAGCCACCGTGCCCAGC-3'

ClinVar aggregate classification (germline): Conflicting classifications of pathogenicity. Review status: criteria provided, conflicting classifications (1 of 4 stars). 2 submissions from 1 submitter: Uncertain significance (1); Benign (1). Last evaluated 2018-01-13.

Conditions:
3-Methylglutaconic aciduria type 3 (MGCA3). Also called: OPA3, AUTOSOMAL RECESSIVE; OPA3-Related 3-Methylglutaconic Aciduria; Costeff Syndrome; OPTIC ATROPHY 3, AUTOSOMAL RECESSIVE. Identifiers: Orphanet 67047, MedGen C0574084, MONDO:0009787, OMIM 258501.
Optic atrophy 3 (OPA3). Also called: OPTIC ATROPHY 3, AUTOSOMAL DOMINANT; Optic atrophy, cataract, and neurologic disorder; Optic atrophy 3 with cataract. Identifiers: Orphanet 67036, MedGen C1833809, MONDO:0008133, OMIM 165300.

Allele frequency attached by ClinVar (database versions not stated): gnomAD 0.00001 and 0.00003; TOPMed 0.00006; 1000 Genomes Project 30x 0.00031; 1000 Genomes Project 0.00040.

Submissions (2):

Illumina Laboratory Services, Illumina
Classification: Benign for Optic atrophy 3. Last evaluated: 2018-01-13. Review status: criteria provided, single submitter. Criteria: ICSL Variant Classification Criteria 13 December 2019. Collection method: clinical testing. Allele origin: germline.
Comment: This variant was observed in the ICSL laboratory as part of a predisposition screen in an ostensibly healthy population. It had not been previously curated by ICSL or reported in the Human Gene Mutation Database (HGMD: prior to June 1st, 2018), and was therefore a candidate for classification through an automated scoring system. Utilizing variant allele frequency, disease prevalence and penetrance estimates, and inheritance mode, an automated score was calculated to assess if this variant is too frequent to cause the disease. Based on the score and internal cut-off values, a variant classified as benign is not then subjected to further curation. The score for this variant resulted in a classification of benign for this disease.

Illumina Laboratory Services, Illumina
Classification: Uncertain significance for 3-Methylglutaconic aciduria type 3. Last evaluated: 2018-01-13. Review status: criteria provided, single submitter. Criteria: ICSL Variant Classification Criteria 13 December 2019. Collection method: clinical testing. Allele origin: germline.